The following is an entry in ClinVar:

NM_207122.2(EXT2):c.1173+1G>A

Gene: EXT2 (exostosin glycosyltransferase 2; plus strand). Cytogenetic location: 11p11.2.
Variant type: single nucleotide variant.
Coding change: c.1173+1G>A on transcript NM_207122.2 (MANE Select); the canonical splice donor site of the intron after coding-DNA position 1173, G replaced by A.
Molecular consequence: splice donor variant.
Genome position (GRCh38, 1-based): chr11:44,130,139, G>A. VCF-style: chr11-44130139-G-A. GRCh37 (hg19) VCF-style: chr11-44151689-G-A.
Other names: c.1173+1G>A (NM_001389630.1, NM_001178083.3, NM_001389628.1); c.1272+1G>A (NM_000401.3).
Identifiers: ClinVar variation 3383170 (VCV003383170.3).

ClinVar aggregate classification (germline): Pathogenic. Review status: criteria provided, multiple submitters, no conflicts (2 of 4 stars). 2 submissions from 2 submitters: Pathogenic (2). Last evaluated 2023-02-23.

Conditions:
EXT2-related disorders.
Exostoses, multiple, type 2 (EXT2). Also called: Hereditary Multiple Osteochondromatosis, Type II; EXOSTOSES, MULTIPLE, TYPE II. Identifiers: Orphanet 321, MedGen C1851413, MONDO:0007586, OMIM 133701.

gnomAD v4.1: 2 of 1,613,414 alleles (0.00012%); highest among the groups gnomAD compares: Non-Finnish European, 0.00017%; no homozygotes.

Submissions (2):

Blueprint Genetics
Classification: Pathogenic for EXT2-related disorders. Last evaluated: 2023-02-23. Review status: criteria provided, single submitter. Criteria: ACMG Guidelines, 2015. Collection method: clinical testing. Allele origin: germline. Affected: yes. Observed: 1 variant allele.

Juno Genomics, Hangzhou Juno Genomics, Inc
Classification: Pathogenic for Exostoses, multiple, type 2. Review status: criteria provided, single submitter. Criteria: ACMG Guidelines, 2015. Collection method: clinical testing. Allele origin: germline. Affected: yes.
Comment: Null variant in a gene where loss of function (LOF) is a known mechanism of disease.;Absent from controls (or at extremely low frequency if recessive) in Genome Aggregation Database, Exome Sequencing Project, 1000 Genomes Project, or Exome Aggregation Consortium.;The prevalence of the variant in affected individuals is significantly increased compared to the prevalence in controls.;Patient's phenotype or family history is highly specific for a disease with a single genetic etiology.